The following is an entry in ClinVar:

NM_000548.5(TSC2):c.774+2T>G

Gene: TSC2 (TSC complex subunit 2; plus strand). Cytogenetic location: 16p13.3.
Variant type: single nucleotide variant.
Coding change: c.774+2T>G on transcript NM_000548.5 (MANE Select); the canonical splice donor site of the intron after coding-DNA position 774, T replaced by G.
Molecular consequence: splice donor variant.
Genome position (GRCh38, 1-based): chr16:2,056,771, T>G. VCF-style: chr16-2056771-T-G. GRCh37 (hg19) VCF-style: chr16-2106772-T-G.
Other names: c.-658+2T>G (NM_001406693.1, NM_001406689.1, NM_001406690.1 and 4 more transcripts); c.864+2T>G (NM_001406667.1, NM_001406668.1); c.174+2T>G (NM_001406680.1, NM_001406683.1, NM_001406687.1 and 6 more transcripts); c.-834+2T>G (NM_001406698.1); c.774+2T>G (NM_001114382.3, NM_001406663.1, NM_001406664.1 and 6 more transcripts); c.-539+2T>G (NM_001406694.1, NM_001406695.1); c.762+2T>G (NM_001406671.1, NM_001406673.1); c.312+2T>G (NM_001406681.1); and 4 more.
Identifiers: ClinVar variation 4813940 (VCV004813940.1).
Genomic context (GRCh38, chr16:2,056,771, plus strand): 5'-TCATCGTTACCCTCTGTCGCACCATCAACGTCAAGGAGCTCTGCGAGCCTTGCTGGAAGG[T>G]GGGGTTTCTGAAACTGCTCTGGAAGGTTCCTGAGAGCACATGGATGGGACAAGGGCCATC-3'

ClinVar aggregate classification (germline): Pathogenic (1 of 4 stars; one submission).

Submission:

GeneDx
Classification: Pathogenic. Last evaluated: 2025-09-19. Review status: criteria provided, single submitter. Criteria: GeneDx Variant Classification Process June 2021. Collection method: clinical testing. Allele origin: germline. Affected: yes.
Comment: Canonical splice site variant predicted to result in an in-frame loss of the adjacent exon in a gene for which loss of function is a known mechanism of disease; Deletions involving coding exons of this gene are a known mechanism of disease HGMD; Not observed at significant frequency in large population cohorts (gnomAD); This variant is associated with the following publications: (PMID: 29476190, 10735580, 28623545)